The following is an entry in ClinVar:

NM_006431.3(CCT2):c.1306A>G (p.Met436Val)

Gene: CCT2 (chaperonin containing TCP1 subunit 2; plus strand). Cytogenetic location: 12q15.
Variant type: single nucleotide variant.
Coding change: c.1306A>G on transcript NM_006431.3 (MANE Select); coding-DNA position 1306, A replaced by G.
Protein change: p.Met436Val; replaces methionine 436 with valine.
Molecular consequence: missense variant.
Genome position (GRCh38, 1-based): chr12:69,598,042, A>G. VCF-style: chr12-69598042-A-G. GRCh37 (hg19) VCF-style: chr12-69991822-A-G.
Other names: c.1165A>G, p.Met389Val (NM_001198842.2); short protein forms M436V, M389V.
Identifiers: ClinVar variation 1045986 (VCV001045986.7), dbSNP rs199831151, ClinGen allele CA6680827.

ClinVar aggregate classification (germline): Uncertain significance (1 of 4 stars; one submission).

Allele frequency attached by ClinVar (database versions not stated): ExAC 0.00003; gnomAD exomes 0.00003; gnomAD 0.00006; TOPMed 0.00006; ESP Exome Variant Server 0.00015; 1000 Genomes Project 30x 0.00016; 1000 Genomes Project 0.00020.
gnomAD v4.1: 26 of 1,613,294 alleles (0.0016%); highest among the groups gnomAD compares: African/African-American, 0.029%; no homozygotes.

Submission:

Labcorp Genetics (formerly Invitae), Labcorp
Classification: Uncertain significance. Last evaluated: 2025-04-30. Review status: criteria provided, single submitter. Criteria: Invitae Variant Classification Sherloc (09022015). Collection method: clinical testing. Allele origin: germline.
Comment: This sequence change replaces methionine, which is neutral and non-polar, with valine, which is neutral and non-polar, at codon 436 of the CCT2 protein (p.Met436Val). This variant is present in population databases (rs199831151, gnomAD 0.02%). This variant has not been reported in the literature in individuals affected with CCT2-related conditions. ClinVar contains an entry for this variant (Variation ID: 1045986). An algorithm developed to predict the effect of missense changes on protein structure and function (PolyPhen-2) suggests that this variant is likely to be tolerated. In summary, the available evidence is currently insufficient to determine the role of this variant in disease. Therefore, it has been classified as a Variant of Uncertain Significance.